The following is an entry in ClinVar:

ClinVar aggregate classification (germline): Uncertain significance (1 of 4 stars; one submission).

Allele frequency attached by ClinVar (database versions not stated): ESP Exome Variant Server 0.00015; TOPMed 0.00021; 1000 Genomes Project 30x 0.00016; 1000 Genomes Project 0.00020; gnomAD 0.00026.

Submission:

Ambry Genetics
Classification: Uncertain significance. Last evaluated: 2026-04-16. Review status: criteria provided, single submitter. Criteria: Ambry Variant Classification Scheme 2023. Collection method: clinical testing. Allele origin: germline.
Comment: The c.1015G>A (p.E339K) alteration is located in exon 8 (coding exon 7) of the BTN2A2 gene. This alteration results from a G to A substitution at nucleotide position 1015, causing the glutamic acid (E) at amino acid position 339 to be replaced by a lysine (K). Based on data from gnomAD, the A allele has an overall frequency of 0.02% (57/282686) total alleles studied. The highest observed frequency was 0.031% (40/129048) of European (non-Finnish) alleles. Based on insufficient or conflicting evidence, the clinical significance of this alteration remains unclear.

NM_006995.5(BTN2A2):c.1015G>A (p.Glu339Lys)

Gene: BTN2A2 (butyrophilin subfamily 2 member A2; plus strand). Cytogenetic location: 6p22.2.
Variant type: single nucleotide variant.
Coding change: c.1015G>A on transcript NM_006995.5 (MANE Select); coding-DNA position 1015, G replaced by A.
Protein change: p.Glu339Lys; replaces glutamic acid 339 with lysine.
Molecular consequence: missense variant. On other transcripts: 3 prime UTR variant (1), intron variant (1).
Genome position (GRCh38, 1-based): chr6:26,392,410, G>A. VCF-style: chr6-26392410-G-A. GRCh37 (hg19) VCF-style: chr6-26392638-G-A.
Other names: c.1015G>A, p.Glu339Lys (NM_001197237.2); c.385G>A, p.Glu129Lys (NM_001197239.2); c.*115G>A (NM_001197240.2); c.667G>A, p.Glu223Lys (NM_181531.3); c.979+1581G>A (NM_001197238.2); short protein forms E223K, E339K, E129K.
Identifiers: ClinVar variation 2351381 (VCV002351381.3), dbSNP rs138172438, ClinGen allele CA3672601.